The following is an entry in ClinVar:

ClinVar aggregate classification (germline): Uncertain significance. Review status: criteria provided, multiple submitters, no conflicts (2 of 4 stars). 3 submissions from 3 submitters: Uncertain significance (3). Last evaluated 2025-05-01.

Conditions:
KIDINS220-related disorder. Also called: KIDINS220-related condition.

Allele frequency attached by ClinVar (database versions not stated): ExAC 0.00005; TOPMed 0.00005; gnomAD 0.00007; gnomAD exomes 0.00012; ESP Exome Variant Server 0.00016; 1000 Genomes Project 30x 0.00047; 1000 Genomes Project 0.00060.
gnomAD v4.1: 174 of 1,577,732 alleles (0.011%); highest among the groups gnomAD compares: East Asian, 0.059%; no homozygotes.

Submissions (3):

PreventionGenetics, part of Exact Sciences
Classification: Uncertain significance for KIDINS220-related condition. Last evaluated: 2025-05-01. Review status: criteria provided, single submitter. Criteria: ACMG Guidelines, 2015. Collection method: clinical testing. Allele origin: germline.
Comment: The KIDINS220 c.3835G>A variant is predicted to result in the amino acid substitution p.Ala1279Thr. To our knowledge, this variant has not been reported in the literature. This variant is reported in 0.043% of alleles in individuals of East Asian descent in gnomAD. At this time, the clinical significance of this variant is uncertain due to the absence of conclusive functional and genetic evidence.

Mayo Clinic Laboratories, Mayo Clinic
Classification: Uncertain significance. Last evaluated: 2024-03-01. Review status: criteria provided, single submitter. Criteria: ACMG Guidelines, 2015. Collection method: clinical testing. Allele origin: germline. Observed: 1 variant allele.
Comment: BP4

Labcorp Genetics (formerly Invitae), Labcorp
Classification: Uncertain significance. Last evaluated: 2023-11-09. Review status: criteria provided, single submitter. Criteria: Invitae Variant Classification Sherloc (09022015). Collection method: clinical testing. Allele origin: germline.
Comment: This sequence change replaces alanine, which is neutral and non-polar, with threonine, which is neutral and polar, at codon 1279 of the KIDINS220 protein (p.Ala1279Thr). This variant is present in population databases (rs188547191, gnomAD 0.04%). This variant has not been reported in the literature in individuals affected with KIDINS220-related conditions. ClinVar contains an entry for this variant (Variation ID: 2187210). Algorithms developed to predict the effect of missense changes on protein structure and function output the following: SIFT: "Not Available"; PolyPhen-2: "Benign"; Align-GVGD: "Not Available". The threonine amino acid residue is found in multiple mammalian species, which suggests that this missense change does not adversely affect protein function. In summary, the available evidence is currently insufficient to determine the role of this variant in disease. Therefore, it has been classified as a Variant of Uncertain Significance.

NM_020738.4(KIDINS220):c.3835G>A (p.Ala1279Thr)

Gene: KIDINS220 (kinase D interacting substrate 220; minus strand). Cytogenetic location: 2p25.1.
Variant type: single nucleotide variant.
Coding change: c.3835G>A on transcript NM_020738.4 (MANE Select); coding-DNA position 3835, G replaced by A.
Protein change: p.Ala1279Thr; replaces alanine 1279 with threonine.
Molecular consequence: missense variant. On other transcripts: non-coding transcript variant (2).
Genome position (GRCh38, 1-based): chr2:8,733,662, C>T on the plus strand (G>A on the coding strand, the complement: KIDINS220 is on the minus strand). VCF-style: chr2-8733662-C-T. GRCh37 (hg19) VCF-style: chr2-8873792-C-T.
Other names: p.Ala1279Thr; c.3838G>A, p.Ala1280Thr (NM_001348729.2); c.3781G>A, p.Ala1261Thr (NM_001348731.2); c.3778G>A, p.Ala1260Thr (NM_001348732.2, NM_001348738.2); c.3667G>A, p.Ala1223Thr (NM_001348734.2, NM_001348739.2, NM_001348740.2); c.3664G>A, p.Ala1222Thr (NM_001348735.2, NM_001348741.2, NM_001348742.2 and 1 more transcripts); c.3538G>A, p.Ala1180Thr (NM_001348736.2); c.3835G>A (NM_020738.2); short protein forms A1222T, A1261T, A1180T, A1223T, A1260T, A1280T, A1279T.
Identifiers: ClinVar variation 2187210 (VCV002187210.6), dbSNP rs188547191, ClinGen allele CA1519500.